The following is an entry in ClinVar:

NM_014915.3(ANKRD26):c.2786A>G (p.Asp929Gly)

Gene: ANKRD26 (ankyrin repeat domain 26; minus strand). Cytogenetic location: 10p12.1.
Variant type: single nucleotide variant.
Coding change: c.2786A>G on transcript NM_014915.3 (MANE Select); coding-DNA position 2786, A replaced by G.
Protein change: p.Asp929Gly; replaces aspartic acid 929 with glycine.
Molecular consequence: missense variant.
Genome position (GRCh38, 1-based): chr10:27,035,664, T>C on the plus strand (A>G on the coding strand, the complement: ANKRD26 is on the minus strand). VCF-style: chr10-27035664-T-C. GRCh37 (hg19) VCF-style: chr10-27324593-T-C.
Other names: c.2783A>G, p.Asp928Gly (NM_001256053.2); short protein forms D928G, D929G.
Identifiers: ClinVar variation 4860020 (VCV004860020.1).

ClinVar aggregate classification (germline): Uncertain significance (1 of 4 stars; one submission).

Conditions:
Inborn genetic diseases. Identifiers: MedGen C0950123, MeSH D030342.

Submission:

Ambry Genetics
Classification: Uncertain significance for Inborn genetic diseases. Last evaluated: 2026-06-09. Review status: criteria provided, single submitter. Criteria: Ambry Variant Classification Scheme 2023. Collection method: clinical testing. Allele origin: germline.
Comment: The p.D929G variant (also known as c.2786A>G), located in coding exon 24 of the ANKRD26 gene, results from an A to G substitution at nucleotide position 2786. The aspartic acid at codon 929 is replaced by glycine, an amino acid with similar properties. This amino acid position is conserved. In addition, this alteration is predicted to be tolerated by in silico analysis. Based on the available evidence, the clinical significance of this variant remains unclear.